The following is an entry in ClinVar:

NC_000006.12:g.31575254G>A

Gene: TNF (tumor necrosis factor; plus strand). Cytogenetic location: 6p21.33.
Variant type: single nucleotide variant.
Genome position: GRCh38 VCF-style: chr6-31575254-G-A. GRCh37 (hg19) VCF-style: chr6-31543031-G-A.
Other names: -308G-A.
Identifiers: ClinVar variation 225964 (VCV000225964.10), dbSNP rs1800629, ClinGen allele CA3713873.

ClinVar aggregate classification (germline): drug response. Review status: reviewed by expert panel (3 of 4 stars). 11 submissions from 4 submitters: drug response (1). 10 of the submissions do not count toward it. Last evaluated 2021-03-24.

Conditions:
Susceptibility to severe coronavirus disease (COVID-19). Also called: Susceptibility to severe coronavirus disease COVID-19.
Susceptibility to severe coronavirus disease (COVID-19) due to high plasma levels of TNF, TNFR, and/or TNFR4.
Septic shock, susceptibility to.
HUMAN IMMUNODEFICIENCY VIRUS DEMENTIA, SUSCEPTIBILITY TO.
Migraine without aura, susceptibility to.
Psoriatic arthritis, susceptibility to. Identifiers: MedGen C1835223, MONDO:0100232, OMIM 607507.
Malaria, cerebral, susceptibility to. Identifiers: MedGen C1855457.
Inherited susceptibility to asthma. Also called: Asthma, susceptibility to; ASTHMA, BRONCHIAL; ASTHMA-RELATED TRAITS, SUSCEPTIBILITY TO. Identifiers: MedGen C1869116, MONDO:0010940, OMIM 600807.
Systemic lupus erythematosus, susceptibility to. Identifiers: MedGen C3862275.
Endometriosis. Also called: Endometriosis (disease). Identifiers: MedGen C0014175, MeSH D004715, MONDO:0005133, HP:0030127.
etanercept response - Efficacy. Identifiers: MedGen CN322732.

Allele frequency attached by ClinVar (database versions not stated): 1000 Genomes Project 0.09026; 1000 Genomes Project 30x 0.09307; gnomAD exomes 0.11633 and 0.12804; TOPMed 0.13494; gnomAD 0.13769 and 0.14163; ESP Exome Variant Server 0.14142; ExAC 0.16159.

Submissions (11):

ClinPGx
Classification: drug response for etanercept response - Efficacy. Last evaluated: 2021-03-24. Review status: reviewed by expert panel. Criteria: Pharmacogenomics knowledge for personalized medicine. Collection method: curation. Allele origin: germline. Affected: yes.
Comment: PharmGKB Level of Evidence 2B: Variants in Level 2B clinical annotations are not in PharmGKB’s Tier 1 VIPs. These clinical annotations describe variant-drug combinations with a moderate level of evidence supporting the association. For example, the association may be found in multiple cohorts, but there may be a minority of studies that do not support the majority assertion. Level 2B clinical annotations must be supported by at least two independent publications.

Drug is not necessarily used to treat response condition

Laboratorio de Investigación del Departamento de Salud, Universidad Iberoamericana A.C.
Classification: Affects for Endometriosis. Last evaluated: 2021-10-20. Review status: no assertion criteria provided. Collection method: case-control. Allele origin: somatic. Affected: yes. Not counted in ClinVar's aggregate classification.
Comment: Mexican mestizo women with severe stage of endometriosis have higher frequencies of TNF*2-, IL1B*2- and IL1RN*2-alleles, which may explain a possible correlation with disease severity rather than predisposition or risk.

Pneumogenomics Laboratory, Instituto Nacional de Enfermedades Respiratorias Ismael Cosio Villegas
Classification: Uncertain significance for Susceptibility to severe coronavirus disease (COVID-19) due to high plasma levels of TNF, TNFR, and/or TNFR4. Last evaluated: 2021-08-07. Review status: no assertion criteria provided. Collection method: research. Allele origin: germline. Affected: yes. Not counted in ClinVar's aggregate classification.
Comment: Differences in plasma levels of TNFR2 according to genotypes

Pneumogenomics Laboratory, Instituto Nacional de Enfermedades Respiratorias Ismael Cosio Villegas
Classification: Uncertain significance for Susceptibility to severe coronavirus disease (COVID-19). Last evaluated: 2021-02-09. Review status: no assertion criteria provided. Collection method: research. Allele origin: germline. Affected: yes. Not counted in ClinVar's aggregate classification.

OMIM
Classification: risk factor for SEPTIC SHOCK, SUSCEPTIBILITY TO. Last evaluated: 2006-03-01. Review status: no assertion criteria provided. Collection method: literature only. Allele origin: germline. Not counted in ClinVar's aggregate classification.

OMIM
Classification: risk factor for ASTHMA, SUSCEPTIBILITY TO. Last evaluated: 2006-03-01. Review status: no assertion criteria provided. Collection method: literature only. Allele origin: germline. Not counted in ClinVar's aggregate classification.

OMIM
Classification: risk factor for HUMAN IMMUNODEFICIENCY VIRUS DEMENTIA, SUSCEPTIBILITY TO. Last evaluated: 2006-03-01. Review status: no assertion criteria provided. Collection method: literature only. Allele origin: germline. Not counted in ClinVar's aggregate classification.

OMIM
Classification: risk factor for MIGRAINE WITHOUT AURA, SUSCEPTIBILITY TO. Last evaluated: 2006-03-01. Review status: no assertion criteria provided. Collection method: literature only. Allele origin: germline. Not counted in ClinVar's aggregate classification.

OMIM
Classification: risk factor for PSORIATIC ARTHRITIS, SUSCEPTIBILITY TO. Last evaluated: 2006-03-01. Review status: no assertion criteria provided. Collection method: literature only. Allele origin: germline. Not counted in ClinVar's aggregate classification.

OMIM
Classification: risk factor for SYSTEMIC LUPUS ERYTHEMATOSUS, SUSCEPTIBILITY TO. Last evaluated: 2006-03-01. Review status: no assertion criteria provided. Collection method: literature only. Allele origin: germline. Not counted in ClinVar's aggregate classification.

OMIM
Classification: risk factor for MALARIA, CEREBRAL, SUSCEPTIBILITY TO. Last evaluated: 2006-03-01. Review status: no assertion criteria provided. Collection method: literature only. Allele origin: germline. Not counted in ClinVar's aggregate classification.

Literature cited by the submitters: PubMed 12759288 (cited by ClinPGx); PubMed 16720636 (cited by ClinPGx); PubMed 16909270 (cited by ClinPGx); PubMed 18050183 (cited by ClinPGx); PubMed 18713756 (cited by ClinPGx); PubMed 19365401 (cited by ClinPGx); PubMed 22760475 (cited by ClinPGx); PubMed 10450718 (cited by OMIM); PubMed 11261930 (cited by OMIM); PubMed 9818939 (cited by OMIM); PubMed 11896460 (cited by OMIM); PubMed 14681301 (cited by OMIM); PubMed 16865291 (cited by OMIM); PubMed 11506397 (cited by OMIM); PubMed 8056188 (cited by OMIM); PubMed 12485196 (cited by OMIM); PubMed 11826025 (cited by OMIM); PubMed 12746914 (cited by OMIM); PubMed 14718719 (cited by OMIM); PubMed 16418737 (cited by OMIM).